The following is an entry in ClinVar:

ClinVar aggregate classification (germline): Uncertain significance (1 of 4 stars; one submission).

Submission:

GeneDx
Classification: Uncertain significance. Last evaluated: 2024-04-25. Review status: criteria provided, single submitter. Criteria: GeneDx Variant Classification Process June 2021. Collection method: clinical testing. Allele origin: germline. Affected: yes.
Comment: Not observed at significant frequency in large population cohorts (gnomAD); In silico analysis indicates that this missense variant does not alter protein structure/function; Has not been previously published as pathogenic or benign to our knowledge

NM_013436.5(NCKAP1):c.1944G>C (p.Gln648His)

Gene: NCKAP1 (NCK associated protein 1; minus strand). Cytogenetic location: 2q32.1.
Variant type: single nucleotide variant.
Coding change: c.1944G>C on transcript NM_013436.5 (MANE Select); coding-DNA position 1944, G replaced by C.
Protein change: p.Gln648His; replaces glutamine 648 with histidine.
Molecular consequence: missense variant.
Genome position (GRCh38, 1-based): chr2:182,957,534, C>G on the plus strand (G>C on the coding strand, the complement: NCKAP1 is on the minus strand). VCF-style: chr2-182957534-C-G. GRCh37 (hg19) VCF-style: chr2-183822262-C-G.
Other names: c.1962G>C, p.Gln654His (NM_205842.3); short protein forms Q648H, Q654H.
Identifiers: ClinVar variation 3372155 (VCV003372155.1).
Genomic context (GRCh38, chr2:182,957,534, plus strand): 5'-GTTTTTCCTCATGCTCTCAACACCTGGTTTCTCCCTTTCAGGTTCCCCTTTCTTACCAGT[C>G]TGCTTTTTTGATTTCTTATTCACTGCTTGACTGATAGTTTTGGCACAATGCTTGGGTAGC-3'
Protein context (NP_038464.1, residues 638-658): SQAVNKKSKK[Gln648His]TGKKGEPERE